The following is an entry in ClinVar:

ClinVar aggregate classification (germline): Uncertain significance (1 of 4 stars; one submission).

Conditions:
Peroxisome biogenesis disorder, complementation group K (CGK). Identifiers: MedGen C1866257, MONDO:0800365.

Submission:

Labcorp Genetics (formerly Invitae), Labcorp
Classification: Uncertain significance for Peroxisome biogenesis disorder, complementation group K. Last evaluated: 2024-08-06. Review status: criteria provided, single submitter. Criteria: Invitae Variant Classification Sherloc (09022015). Collection method: clinical testing. Allele origin: germline.
Comment: This sequence change replaces alanine, which is neutral and non-polar, with glutamic acid, which is acidic and polar, at codon 47 of the PEX14 protein (p.Ala47Glu). This variant is not present in population databases (gnomAD no frequency). This variant has not been reported in the literature in individuals affected with PEX14-related conditions. ClinVar contains an entry for this variant (Variation ID: 1472201). Advanced modeling of protein sequence and biophysical properties (such as structural, functional, and spatial information, amino acid conservation, physicochemical variation, residue mobility, and thermodynamic stability) performed at Invitae indicates that this missense variant is not expected to disrupt PEX14 protein function with a negative predictive value of 80%. In summary, the available evidence is currently insufficient to determine the role of this variant in disease. Therefore, it has been classified as a Variant of Uncertain Significance.

NM_004565.3(PEX14):c.140C>A (p.Ala47Glu)

Gene: PEX14 (peroxisomal biogenesis factor 14; plus strand). Cytogenetic location: 1p36.22.
Variant type: single nucleotide variant.
Coding change: c.140C>A on transcript NM_004565.3 (MANE Select); coding-DNA position 140, C replaced by A.
Protein change: p.Ala47Glu; replaces alanine 47 with glutamic acid.
Molecular consequence: missense variant.
Genome position (GRCh38, 1-based): chr1:10,536,268, C>A. VCF-style: chr1-10536268-C-A. GRCh37 (hg19) VCF-style: chr1-10596325-C-A.
Other names: short protein forms A47E.
Identifiers: ClinVar variation 1472201 (VCV001472201.5), dbSNP rs2124482219, ClinGen allele CA338688624.
Genomic context (GRCh38, chr1:10,536,268, plus strand): 5'-ACCAGATTGCCACGGCAGTGAAGTTTCTACAGAATTCCCGGGTCCGCCAGAGCCCACTTG[C>A]AACCAGGAGAGCATTCCTAAAGAAGAAAGGTACAGGTTCCACAGGGCTGTGCAGCACGGC-3'
Protein context (NP_004556.1, residues 37-57): QNSRVRQSPL[Ala47Glu]TRRAFLKKKG